The following is an entry in ClinVar:

ClinVar aggregate classification (germline): Uncertain significance (1 of 4 stars; one submission).

Conditions:
Agammaglobulinemia 4, autosomal recessive (AGM4). Also called: AGAMMAGLOBULINEMIA, AUTOSOMAL RECESSIVE, DUE TO BLNK DEFECT; B cell linker protein deficiency. Identifiers: MedGen C3150752, MONDO:0013289, OMIM 613502.

Allele frequency attached by ClinVar (database versions not stated): gnomAD exomes 0.00002 and 0.00004; TOPMed 0.00005; gnomAD 0.00006 and 0.00007; 1000 Genomes Project 30x 0.00016; 1000 Genomes Project 0.00020.
gnomAD v4.1: 38 of 1,613,964 alleles (0.0024%); highest among the groups gnomAD compares: Admixed American, 0.018%; no homozygotes.

Submission:

Labcorp Genetics (formerly Invitae), Labcorp
Classification: Uncertain significance for Agammaglobulinemia 4, autosomal recessive. Last evaluated: 2024-11-05. Review status: criteria provided, single submitter. Criteria: Invitae Variant Classification Sherloc (09022015). Collection method: clinical testing. Allele origin: germline.
Comment: This sequence change replaces valine, which is neutral and non-polar, with isoleucine, which is neutral and non-polar, at codon 9 of the BLNK protein (p.Val9Ile). This variant is present in population databases (rs200630912, gnomAD 0.02%). This variant has not been reported in the literature in individuals affected with BLNK-related conditions. ClinVar contains an entry for this variant (Variation ID: 1347851). An algorithm developed to predict the effect of missense changes on protein structure and function (PolyPhen-2) suggests that this variant¬†is likely to be tolerated. In summary, the available evidence is currently insufficient to determine the role of this variant in disease. Therefore, it has been classified as a Variant of Uncertain Significance.

NM_013314.4(BLNK):c.25G>A (p.Val9Ile)

Gene: BLNK (B cell linker; minus strand). Cytogenetic location: 10q24.1.
Variant type: single nucleotide variant.
Coding change: c.25G>A on transcript NM_013314.4 (MANE Select); coding-DNA position 25, G replaced by A.
Protein change: p.Val9Ile; replaces valine 9 with isoleucine.
Molecular consequence: missense variant. On other transcripts: non-coding transcript variant (4).
Genome position (GRCh38, 1-based): chr10:96,271,374, C>T on the plus strand (G>A on the coding strand, the complement: BLNK is on the minus strand). VCF-style: chr10-96271374-C-T. GRCh37 (hg19) VCF-style: chr10-98031131-C-T.
Other names: c.25G>A, p.Val9Ile (NM_001114094.2, NM_001258440.2, NM_001258441.2 and 1 more transcripts); short protein forms V9I.
Identifiers: ClinVar variation 1347851 (VCV001347851.6), dbSNP rs200630912, ClinGen allele CA5623640.